The following is an entry in ClinVar:

ClinVar aggregate classification (germline): Uncertain significance. Review status: criteria provided, multiple submitters, no conflicts (2 of 4 stars). 2 submissions from 2 submitters: Uncertain significance (2). Last evaluated 2026-07-08.

Conditions:
SEMA3D-related disorder. Also called: SEMA3D-related condition.

Allele frequency attached by ClinVar (database versions not stated): gnomAD 0.00002; TOPMed 0.00002; ExAC 0.00001.

Submissions (2):

PreventionGenetics, part of Exact Sciences
Classification: Uncertain significance for SEMA3D-related condition. Last evaluated: 2026-07-08. Review status: criteria provided, single submitter. Criteria: ACMG Guidelines, 2015. Collection method: clinical testing. Allele origin: germline.
Comment: The SEMA3D c.583A>G variant is predicted to result in the amino acid substitution p.Met195Val. To our knowledge, this variant has not been reported in the literature or in a large population database (gnomAD), indicating this variant is rare. At this time, the clinical significance of this variant is uncertain due to the absence of conclusive functional and genetic evidence.

Ambry Genetics
Classification: Uncertain significance. Last evaluated: 2023-12-18. Review status: criteria provided, single submitter. Criteria: Ambry Variant Classification Scheme 2023. Collection method: clinical testing. Allele origin: germline.

NM_001384900.1(SEMA3D):c.583A>G (p.Met195Val)

Gene: SEMA3D (semaphorin 3D; minus strand). Cytogenetic location: 7q21.11.
Variant type: single nucleotide variant.
Coding change: c.583A>G on transcript NM_001384900.1 (MANE Select); coding-DNA position 583, A replaced by G.
Protein change: p.Met195Val; replaces methionine 195 with valine.
Molecular consequence: missense variant.
Genome position (GRCh38, 1-based): chr7:85,068,197, T>C on the plus strand (A>G on the coding strand, the complement: SEMA3D is on the minus strand). VCF-style: chr7-85068197-T-C. GRCh37 (hg19) VCF-style: chr7-84697513-T-C.
Other names: c.583A>G, p.Met195Val (NM_001384901.1, NM_001384902.1, NM_001384903.1 and 1 more transcripts); short protein forms M195V.
Identifiers: ClinVar variation 3159720 (VCV003159720.2), dbSNP rs774757678, ClinGen allele CA4323705.